The following is an entry in ClinVar:

ClinVar aggregate classification (germline): Conflicting classifications of pathogenicity. Review status: criteria provided, conflicting classifications (1 of 4 stars). 4 submissions from 4 submitters: Uncertain significance (3); Benign (1). Last evaluated 2025-12-21.

Conditions:
Hypertrophic cardiomyopathy. Also called: HYPERTROPHIC MYOCARDIOPATHY. Identifiers: Orphanet 217569, MedGen C0007194, MeSH D002312, MONDO:0005045, HP:0001639.
Cardiomyopathy (CMYO). Also called: Cardiomyopathies. Identifiers: Orphanet 167848, MedGen C0878544, MONDO:0004994, HP:0001638. Inheritance: Various modes of inheritance.
Lethal congenital glycogen storage disease of heart. Also called: PHOSPHORYLASE KINASE DEFICIENCY OF HEART; GLYCOGEN STORAGE DISEASE OF HEART. Identifiers: Orphanet 439854, MedGen C1849813, MONDO:0009867, OMIM 261740.

Allele frequency attached by ClinVar (database versions not stated): ExAC 0.00001; gnomAD 0.00001; gnomAD exomes 0.00001 and 0.00002; TOPMed 0.00001.
gnomAD v4.1: 6 of 1,609,566 alleles (0.00037%); highest among the groups gnomAD compares: Admixed American, 0.0033%; no homozygotes.

Submissions (4):

Labcorp Genetics (formerly Invitae), Labcorp
Classification: Benign for Lethal congenital glycogen storage disease of heart. Last evaluated: 2025-12-21. Review status: criteria provided, single submitter. Criteria: Invitae Variant Classification Sherloc (09022015). Collection method: clinical testing. Allele origin: germline.

All of Us Research Program, National Institutes of Health
Classification: Uncertain significance for Hypertrophic cardiomyopathy. Last evaluated: 2023-09-04. Review status: criteria provided, single submitter. Criteria: ACMG Guidelines, 2015. Collection method: clinical testing. Allele origin: germline. Inheritance: Autosomal dominant inheritance. Observed: 1 variant allele, 1 heterozygote.
Comment: This missense variant replaces lysine with glutamine at codon 23 of the PRKAG2 protein. Computational prediction tools and conservation analyses are inconclusive regarding the impact of this variant on the protein function. Computational splicing tools suggest that this variant may not impact RNA splicing. To our knowledge, functional assays have not been performed for this variant nor has this variant been reported in individuals affected with cardiovascular disorders in the literature. This variant has been identified in 5/247822 chromosomes in the general population by the Genome Aggregation Database (gnomAD). Available evidence is insufficient to determine the role of this variant in disease conclusively. Therefore, this variant is classified as a Variant of Uncertain Significance.

This study involves interpretation of variants in research participants for the purpose of population health screening. Participant phenotype was not available at the time of variant classification. Additional details can be found in publication PMID: 35346344, PMCID: PMC8962531

Color Diagnostics, LLC DBA Color Health
Classification: Uncertain significance for Cardiomyopathy. Last evaluated: 2023-08-23. Review status: criteria provided, single submitter. Criteria: ACMG Guidelines, 2015. Collection method: clinical testing. Allele origin: germline.
Comment: This missense variant replaces lysine with glutamine at codon 23 of the PRKAG2 protein. Computational prediction suggests that this variant may not impact protein structure and function (internally defined REVEL score threshold <= 0.5, PMID: 27666373). To our knowledge, functional studies have not been reported for this variant. This variant has not been reported in individuals affected with PRKAG2-related disorders in the literature. This variant has been identified in 5/247822 chromosomes in the general population by the Genome Aggregation Database (gnomAD). The available evidence is insufficient to determine the role of this variant in disease conclusively. Therefore, this variant is classified as a Variant of Uncertain Significance.

CeGaT Center for Human Genetics Tuebingen
Classification: Uncertain significance. Last evaluated: 2022-10-01. Review status: criteria provided, single submitter. Criteria: CeGaT Center For Human Genetics Tuebingen Variant Classification Criteria Version 2. Collection method: clinical testing. Allele origin: germline. Affected: yes. Observed: 1 variant allele.
Comment: PRKAG2: PM2

NM_016203.4(PRKAG2):c.67A>C (p.Lys23Gln)

Gene: PRKAG2 (protein kinase AMP-activated non-catalytic subunit gamma 2; minus strand). Cytogenetic location: 7q36.1.
Variant type: single nucleotide variant.
Coding change: c.67A>C on transcript NM_016203.4 (MANE Select); coding-DNA position 67, A replaced by C.
Protein change: p.Lys23Gln; replaces lysine 23 with glutamine.
Molecular consequence: missense variant.
Genome position (GRCh38, 1-based): chr7:151,876,554, T>G on the plus strand (A>C on the coding strand, the complement: PRKAG2 is on the minus strand). VCF-style: chr7-151876554-T-G. GRCh37 (hg19) VCF-style: chr7-151573639-T-G.
Other names: short protein forms K23Q.
Identifiers: ClinVar variation 573203 (VCV000573203.38), dbSNP rs780864954, ClinGen allele CA057815.
Genomic context (GRCh38, chr7:151,876,554, plus strand): 5'-TGCTGGGACTCACCGGAATGTGCACGCGCAGCGAACGCCTCTTCTGGCTGGCATTTTTCT[T>G]GCCGCCGCTCCCGCCGGGGCTGGAAACATCTTTTTTCTTCTTGGTGTCCATAACCGCGCT-3'
Protein context (NP_057287.2, residues 13-33): DVSSPGGSGG[Lys23Gln]KNASQKRRSL